The following is an entry in ClinVar:

NM_002074.5(GNB1):c.925G>T (p.Ala309Ser)

Gene: GNB1 (G protein subunit beta 1; minus strand). Cytogenetic location: 1p36.33.
Variant type: single nucleotide variant.
Coding change: c.925G>T on transcript NM_002074.5 (MANE Select); coding-DNA position 925, G replaced by T.
Protein change: p.Ala309Ser; replaces alanine 309 with serine.
Molecular consequence: missense variant.
Genome position (GRCh38, 1-based): chr1:1,787,429, C>A on the plus strand (G>T on the coding strand, the complement: GNB1 is on the minus strand). VCF-style: chr1-1787429-C-A. GRCh37 (hg19) VCF-style: chr1-1718868-C-A.
Other names: c.625G>T, p.Ala209Ser (NM_001282538.2); c.925G>T, p.Ala309Ser (NM_001282539.2); short protein forms A209S, A309S.
Identifiers: ClinVar variation 1376302 (VCV001376302.6), dbSNP rs370929812, ClinGen allele CA531899.

ClinVar aggregate classification (germline): Uncertain significance (1 of 4 stars; one submission).

Allele frequency attached by ClinVar (database versions not stated): gnomAD exomes below 0.00001 and 0.00002; ExAC 0.00003; ESP Exome Variant Server 0.00015.
gnomAD v4.1: 7 of 1,606,506 alleles (0.00044%); highest among the groups gnomAD compares: Middle Eastern, 0.017%; no homozygotes.

Submission:

Labcorp Genetics (formerly Invitae), Labcorp
Classification: Uncertain significance. Last evaluated: 2025-03-29. Review status: criteria provided, single submitter. Criteria: Invitae Variant Classification Sherloc (09022015). Collection method: clinical testing. Allele origin: germline.
Comment: This sequence change replaces alanine, which is neutral and non-polar, with serine, which is neutral and polar, at codon 309 of the GNB1 protein (p.Ala309Ser). This variant is present in population databases (rs370929812, gnomAD 0.03%). This variant has not been reported in the literature in individuals affected with GNB1-related conditions. ClinVar contains an entry for this variant (Variation ID: 1376302). Invitae Evidence Modeling of protein sequence and biophysical properties (such as structural, functional, and spatial information, amino acid conservation, physicochemical variation, residue mobility, and thermodynamic stability) indicates that this missense variant is not expected to disrupt GNB1 protein function with a negative predictive value of 80%. In summary, the available evidence is currently insufficient to determine the role of this variant in disease. Therefore, it has been classified as a Variant of Uncertain Significance.